The following is an entry in ClinVar:

NM_004364.5(CEBPA):c.1010C>T (p.Thr337Met)

Gene: CEBPA (CCAAT enhancer binding protein alpha; minus strand). Cytogenetic location: 19q13.11.
Variant type: single nucleotide variant.
Coding change: c.1010C>T on transcript NM_004364.5 (MANE Select); coding-DNA position 1010, C replaced by T.
Protein change: p.Thr337Met; replaces threonine 337 with methionine.
Molecular consequence: missense variant.
Genome position (GRCh38, 1-based): chr19:33,301,405, G>A on the plus strand (C>T on the coding strand, the complement: CEBPA is on the minus strand). VCF-style: chr19-33301405-G-A. GRCh37 (hg19) VCF-style: chr19-33792311-G-A.
Other names: c.653C>T, p.Thr218Met (NM_001285829.2); c.1115C>T, p.Thr372Met (NM_001287424.2); c.968C>T, p.Thr323Met (NM_001287435.2); c.1010C>T (NM_004364.3); short protein forms T218M, T337M, T372M, T323M.
Identifiers: ClinVar variation 835918 (VCV000835918.11), dbSNP rs760372994, ClinGen allele CA9363662.
Genomic context (GRCh38, chr19:33,301,405, plus strand): 5'-CAGTTGCCCATGGCCTTGACCAAGGAGCTCTCTGGCAGCTGGCGGAAGATGCCCCGCAGC[G>A]TGTCCAGTTCGCGGCTCAGCTGTTCCACCCGCTTGCGCAGGCGGTCATTGTCACTGGTCA-3'
Protein context (NP_004355.2, residues 327-347): RVEQLSRELD[Thr337Met]LRGIFRQLPE

ClinVar aggregate classification (germline): Conflicting classifications of pathogenicity. Review status: criteria provided, conflicting classifications (1 of 4 stars). 4 submissions from 4 submitters: Uncertain significance (3); Benign (1). Last evaluated 2025-04-21.

Conditions:
Inborn genetic diseases. Identifiers: MedGen C0950123, MeSH D030342.
Acute myeloid leukemia (AML). Also called: Acute myeloid leukemia, adult; AML adult; Acute non-lymphocytic leukemia; Acute granulocytic leukemia; Leukemia, acute myeloid, somatic; Leukemia, acute myelogenous, somatic. Identifiers: Orphanet 519, MedGen C0023467, MeSH D015470, MONDO:0018874, OMIM 601626, HP:0004808. Disease mechanism: Constitutively activated FLT3.

Allele frequency attached by ClinVar (database versions not stated): gnomAD exomes 0.00001; ExAC 0.00002.
gnomAD v4.1: 8 of 1,611,044 alleles (0.0005%); highest among the groups gnomAD compares: East Asian, 0.016%; no homozygotes.

Submissions (4):

Labcorp Genetics (formerly Invitae), Labcorp
Classification: Uncertain significance for Acute myeloid leukemia. Last evaluated: 2025-04-21. Review status: criteria provided, single submitter. Criteria: Invitae Variant Classification Sherloc (09022015). Collection method: clinical testing. Allele origin: germline.
Comment: This sequence change replaces threonine, which is neutral and polar, with methionine, which is neutral and non-polar, at codon 337 of the CEBPA protein (p.Thr337Met). This variant is present in population databases (rs760372994, gnomAD 0.02%). This variant has not been reported in the literature in individuals affected with CEBPA-related conditions. ClinVar contains an entry for this variant (Variation ID: 835918). Invitae Evidence Modeling of protein sequence and biophysical properties (such as structural, functional, and spatial information, amino acid conservation, physicochemical variation, residue mobility, and thermodynamic stability) indicates that this missense variant is expected to disrupt CEBPA protein function with a positive predictive value of 80%. In summary, the available evidence is currently insufficient to determine the role of this variant in disease. Therefore, it has been classified as a Variant of Uncertain Significance.

Ambry Genetics
Classification: Benign for Inborn genetic diseases. Last evaluated: 2024-10-28. Review status: criteria provided, single submitter. Criteria: Ambry Variant Classification Scheme 2023. Collection method: clinical testing. Allele origin: germline.

GeneDx
Classification: Uncertain significance. Last evaluated: 2023-09-19. Review status: criteria provided, single submitter. Criteria: GeneDx Variant Classification Process June 2021. Collection method: clinical testing. Allele origin: germline. Affected: yes.
Comment: Not observed at significant frequency in large population cohorts (gnomAD); In silico analysis supports that this missense variant has a deleterious effect on protein structure/function; Has not been previously published as pathogenic or benign to our knowledge; This variant is associated with the following publications: (PMID: 21455213)

Blueprint Genetics
Classification: Uncertain significance. Last evaluated: 2021-02-22. Review status: criteria provided, single submitter. Criteria: ACMG Guidelines, 2015. Collection method: clinical testing. Allele origin: germline.